The following is an entry in ClinVar:

ClinVar aggregate classification (germline): Conflicting classifications of pathogenicity. Review status: criteria provided, conflicting classifications (1 of 4 stars). 3 submissions from 3 submitters: Uncertain significance (1); Likely benign (1). 1 of the submissions does not count toward it. Last evaluated 2025-08-10.

Conditions:
RAI1-related disorder. Also called: RAI1-related condition.
Inborn genetic diseases. Identifiers: MedGen C0950123, MeSH D030342.

Allele frequency attached by ClinVar (database versions not stated): ExAC 0.00004; gnomAD 0.00009; ESP Exome Variant Server 0.00031.
gnomAD v4.1: 29 of 1,610,994 alleles (0.0018%); highest among the groups gnomAD compares: African/African-American, 0.035%; no homozygotes.

Submissions (3):

Labcorp Genetics (formerly Invitae), Labcorp
Classification: Uncertain significance. Last evaluated: 2025-08-10. Review status: criteria provided, single submitter. Criteria: Invitae Variant Classification Sherloc (09022015). Collection method: clinical testing. Allele origin: germline.
Comment: This sequence change replaces proline, which is neutral and non-polar, with serine, which is neutral and polar, at codon 1294 of the RAI1 protein (p.Pro1294Ser). This variant is present in population databases (rs149103415, gnomAD 0.03%). This variant has not been reported in the literature in individuals affected with RAI1-related conditions. ClinVar contains an entry for this variant (Variation ID: 2197266). Invitae Evidence Modeling of protein sequence and biophysical properties (such as structural, functional, and spatial information, amino acid conservation, physicochemical variation, residue mobility, and thermodynamic stability) indicates that this missense variant is not expected to disrupt RAI1 protein function with a negative predictive value of 80%. In summary, the available evidence is currently insufficient to determine the role of this variant in disease. Therefore, it has been classified as a Variant of Uncertain Significance.

Ambry Genetics
Classification: Likely benign for Inborn genetic diseases. Last evaluated: 2021-11-05. Review status: criteria provided, single submitter. Criteria: Ambry Variant Classification Scheme 2023. Collection method: clinical testing. Allele origin: germline.

PreventionGenetics, part of Exact Sciences
Classification: Likely benign for RAI1-related condition. Last evaluated: 2023-05-05. Review status: no assertion criteria provided. Collection method: clinical testing. Allele origin: germline. Not counted in ClinVar's aggregate classification.
Comment: This variant is classified as likely benign based on ACMG/AMP sequence variant interpretation guidelines (Richards et al. 2015 PMID: 25741868, with internal and published modifications).

NM_030665.4(RAI1):c.3880C>T (p.Pro1294Ser)

Gene: RAI1 (retinoic acid induced 1; plus strand). Cytogenetic location: 17p11.2.
Variant type: single nucleotide variant.
Coding change: c.3880C>T on transcript NM_030665.4 (MANE Select); coding-DNA position 3880, C replaced by T.
Protein change: p.Pro1294Ser; replaces proline 1294 with serine.
Molecular consequence: missense variant.
Genome position (GRCh38, 1-based): chr17:17,796,828, C>T. VCF-style: chr17-17796828-C-T. GRCh37 (hg19) VCF-style: chr17-17700142-C-T.
Other names: c.3880C>T (NM_030665.3); short protein forms P1294S.
Identifiers: ClinVar variation 2197266 (VCV002197266.6), dbSNP rs149103415, ClinGen allele CA8418847.